The following is an entry in ClinVar:

NM_002354.3(EPCAM):c.842C>G (p.Ala281Gly)

Gene: EPCAM (epithelial cell adhesion molecule; plus strand). Cytogenetic location: 2p21.
Variant type: single nucleotide variant.
Coding change: c.842C>G on transcript NM_002354.3 (MANE Select); coding-DNA position 842, C replaced by G.
Protein change: p.Ala281Gly; replaces alanine 281 with glycine.
Molecular consequence: missense variant.
Genome position (GRCh38, 1-based): chr2:47,379,953, C>G. VCF-style: chr2-47379953-C-G. GRCh37 (hg19) VCF-style: chr2-47607092-C-G.
Other names: short protein forms A281G.
Identifiers: ClinVar variation 1763346 (VCV001763346.3), dbSNP rs1170707231, ClinGen allele CA346724930.
Genomic context (GRCh38, chr2:47,379,953, plus strand): 5'-TGCAGGGTCTAAAAGCTGGTGTTATTGCTGTTATTGTGGTTGTGGTGATAGCAGTTGTTG[C>G]TGGAATTGTTGTGCTGGTGAGTACAGAACAAGTAAAATTTCATTTAAGGGTATATTTTTT-3'
Protein context (NP_002345.2, residues 271-291): VIVVVVIAVV[Ala281Gly]GIVVLVISRK

ClinVar aggregate classification (germline): Uncertain significance (1 of 4 stars; one submission).

Conditions:
Hereditary cancer-predisposing syndrome. Also called: Neoplastic Syndromes, Hereditary; Tumor predisposition; Hereditary Cancer Syndrome; Hereditary neoplastic syndrome. Identifiers: Orphanet 140162, MedGen C0027672, MeSH D009386, MONDO:0015356.

Allele frequency attached by ClinVar (database versions not stated): TOPMed below 0.00001; gnomAD 0.00001.
gnomAD v4.1: 1 of 1,612,484 alleles (0.000062%); highest among the groups gnomAD compares: Non-Finnish European, 0.000085%; no homozygotes.

Submission:

Ambry Genetics
Classification: Uncertain significance for Hereditary cancer-predisposing syndrome. Last evaluated: 2025-09-22. Review status: criteria provided, single submitter. Criteria: Ambry Variant Classification Scheme 2023. Collection method: clinical testing. Allele origin: germline.
Comment: The p.A281G variant (also known as c.842C>G), located in coding exon 7 of the EPCAM gene, results from a C to G substitution at nucleotide position 842. The alanine at codon 281 is replaced by glycine, an amino acid with similar properties. This amino acid position is conserved. In addition, this alteration is predicted to be tolerated by in silico analysis. Since supporting evidence is limited at this time, the clinical significance of this alteration remains unclear.